The following is an entry in ClinVar:

ClinVar aggregate classification (germline): Likely benign. Review status: criteria provided, multiple submitters, no conflicts (2 of 4 stars). 3 submissions from 3 submitters: Likely benign (2). 1 of the submissions does not count toward it. Last evaluated 2025-12-21.

Conditions:
DYRK1B-related disorder. Also called: DYRK1B-related condition.

Allele frequency attached by ClinVar (database versions not stated): gnomAD 0.00020 and 0.00023; TOPMed 0.00022; 1000 Genomes Project 0.00060; 1000 Genomes Project 30x 0.00062.
gnomAD v4.1: 822 of 1,605,236 alleles (0.051%); highest among the groups gnomAD compares: South Asian, 0.096%; 1 homozygote.

Submissions (3):

Labcorp Genetics (formerly Invitae), Labcorp
Classification: Likely benign. Last evaluated: 2025-12-21. Review status: criteria provided, single submitter. Criteria: Invitae Variant Classification Sherloc (09022015). Collection method: clinical testing. Allele origin: germline.

CeGaT Center for Human Genetics Tuebingen
Classification: Likely benign. Last evaluated: 2025-05-01. Review status: criteria provided, single submitter. Criteria: CeGaT Center For Human Genetics Tuebingen Variant Classification Criteria Version 2. Collection method: clinical testing. Allele origin: germline. Affected: yes. Observed: 1 variant allele.
Comment: DYRK1B: BS1

PreventionGenetics, part of Exact Sciences
Classification: Likely benign for DYRK1B-related condition. Last evaluated: 2021-09-07. Review status: no assertion criteria provided. Collection method: clinical testing. Allele origin: germline. Not counted in ClinVar's aggregate classification.
Comment: This variant is classified as likely benign based on ACMG/AMP sequence variant interpretation guidelines (Richards et al. 2015 PMID: 25741868, with internal and published modifications).

NM_004714.3(DYRK1B):c.1386C>G (p.Ser462Arg)

Gene: DYRK1B (dual specificity tyrosine phosphorylation regulated kinase 1B; minus strand). Cytogenetic location: 19q13.2.
Variant type: single nucleotide variant.
Coding change: c.1386C>G on transcript NM_004714.3 (MANE Select); coding-DNA position 1386, C replaced by G.
Protein change: p.Ser462Arg; replaces serine 462 with arginine.
Molecular consequence: missense variant.
Genome position (GRCh38, 1-based): chr19:39,826,697, G>C on the plus strand (C>G on the coding strand, the complement: DYRK1B is on the minus strand). VCF-style: chr19-39826697-G-C. GRCh37 (hg19) VCF-style: chr19-40317337-G-C.
Other names: c.1266C>G, p.Ser422Arg (NM_006483.3); c.1302C>G, p.Ser434Arg (NM_006484.3); short protein forms S422R, S462R, S434R.
Identifiers: ClinVar variation 728555 (VCV000728555.16), dbSNP rs575857490, ClinGen allele CA9434059.
Genomic context (GRCh38, chr19:39,826,697, plus strand): 5'-CCCGTTGTACCCCATTTGGGCACCTGGGCACCCACCAGAACTGGAGATGGAGCTGGCGGT[G>C]CTGGAAGAGGGGCAGGTGTCGAGGGGCGCGGGCGAGGTGGAGGCACTGCTGCCTGCCGGG-3'
Protein context (NP_004705.1, residues 452-472): PAPLDTCPSS[Ser462Arg]TASSISSSGG